The following is an entry in ClinVar:

NM_018089.3(ANKZF1):c.1990C>T (p.Arg664Cys)

Gene: ANKZF1 (ankyrin repeat and zinc finger peptidyl tRNA hydrolase 1; plus strand). Cytogenetic location: 2q35.
Variant type: single nucleotide variant.
Coding change: c.1990C>T on transcript NM_018089.3 (MANE Select); coding-DNA position 1990, C replaced by T.
Protein change: p.Arg664Cys; replaces arginine 664 with cysteine.
Molecular consequence: missense variant.
Genome position (GRCh38, 1-based): chr2:219,236,028, C>T. VCF-style: chr2-219236028-C-T. GRCh37 (hg19) VCF-style: chr2-220100750-C-T.
Other names: c.1990C>T, p.Arg664Cys (NM_001042410.2); c.1360C>T, p.Arg454Cys (NM_001282792.2); short protein forms R664C, R454C.
Identifiers: ClinVar variation 1936678 (VCV001936678.5), dbSNP rs763770421, ClinGen allele CA2121273.

ClinVar aggregate classification (germline): Uncertain significance (1 of 4 stars; one submission).

Allele frequency attached by ClinVar (database versions not stated): gnomAD exomes 0.00001; ExAC 0.00002.
gnomAD v4.1: 11 of 1,614,206 alleles (0.00068%); highest among the groups gnomAD compares: Admixed American, 0.0033%; no homozygotes.

Submission:

Labcorp Genetics (formerly Invitae), Labcorp
Classification: Uncertain significance. Last evaluated: 2025-04-07. Review status: criteria provided, single submitter. Criteria: Invitae Variant Classification Sherloc (09022015). Collection method: clinical testing. Allele origin: germline.
Comment: This sequence change replaces arginine, which is basic and polar, with cysteine, which is neutral and slightly polar, at codon 664 of the ANKZF1 protein (p.Arg664Cys). This variant is present in population databases (rs763770421, gnomAD 0.003%). This variant has not been reported in the literature in individuals affected with ANKZF1-related conditions. ClinVar contains an entry for this variant (Variation ID: 1936678). An algorithm developed to predict the effect of missense changes on protein structure and function outputs the following: PolyPhen-2: "Possibly Damaging". The cysteine amino acid residue is found in multiple mammalian species, which suggests that this missense change does not adversely affect protein function. In summary, the available evidence is currently insufficient to determine the role of this variant in disease. Therefore, it has been classified as a Variant of Uncertain Significance.